The following is an entry in ClinVar:

ClinVar aggregate classification (germline): Uncertain significance. Review status: criteria provided, multiple submitters, no conflicts (2 of 4 stars). 2 submissions from 2 submitters: Uncertain significance (2). Last evaluated 2022-08-19.

Allele frequency attached by ClinVar (database versions not stated): gnomAD exomes below 0.00001.
gnomAD v4.1: 1 of 1,605,962 alleles (0.000062%); highest among the groups gnomAD compares: African/African-American, 0.0013%; no homozygotes.

Submissions (2):

GeneDx
Classification: Uncertain significance. Last evaluated: 2022-08-19. Review status: criteria provided, single submitter. Criteria: GeneDx Variant Classification Process June 2021. Collection method: clinical testing. Allele origin: germline. Affected: yes.
Comment: Not observed at significant frequency in large population cohorts (gnomAD); In silico analysis supports that this missense variant has a deleterious effect on protein structure/function; Has not been previously published as pathogenic or benign to our knowledge

Labcorp Genetics (formerly Invitae), Labcorp
Classification: Uncertain significance. Last evaluated: 2022-06-22. Review status: criteria provided, single submitter. Criteria: Invitae Variant Classification Sherloc (09022015). Collection method: clinical testing. Allele origin: germline.
Comment: This sequence change replaces glutamine, which is neutral and polar, with histidine, which is basic and polar, at codon 1698 of the SPTBN2 protein (p.Gln1698His). This variant is not present in population databases (gnomAD no frequency). In summary, the available evidence is currently insufficient to determine the role of this variant in disease. Therefore, it has been classified as a Variant of Uncertain Significance. Algorithms developed to predict the effect of missense changes on protein structure and function are either unavailable or do not agree on the potential impact of this missense change (SIFT: "Tolerated"; PolyPhen-2: "Probably Damaging"; Align-GVGD: "Class C0"). This variant has not been reported in the literature in individuals affected with SPTBN2-related conditions.

NM_006946.4(SPTBN2):c.5094G>C (p.Gln1698His)

Gene: SPTBN2 (spectrin beta, non-erythrocytic 2; minus strand). Cytogenetic location: 11q13.2.
Variant type: single nucleotide variant.
Coding change: c.5094G>C on transcript NM_006946.4 (MANE Select); coding-DNA position 5094, G replaced by C.
Protein change: p.Gln1698His; replaces glutamine 1698 with histidine.
Molecular consequence: missense variant.
Genome position (GRCh38, 1-based): chr11:66,692,632, C>G on the plus strand (G>C on the coding strand, the complement: SPTBN2 is on the minus strand). VCF-style: chr11-66692632-C-G. GRCh37 (hg19) VCF-style: chr11-66460103-C-G.
Other names: c.5094G>C (NM_006946.2); c.5115G>C, p.Gln1705His (NM_001411025.1); short protein forms Q1705H, Q1698H.
Identifiers: ClinVar variation 2009485 (VCV002009485.5), dbSNP rs2495931879, ClinGen allele CA381467862.